The following is an entry in ClinVar:

NM_001009999.3(KDM1A):c.232C>G (p.Pro78Ala)

Gene: KDM1A (lysine demethylase 1A; plus strand). Cytogenetic location: 1p36.12.
Variant type: single nucleotide variant.
Coding change: c.232C>G on transcript NM_001009999.3 (MANE Select); coding-DNA position 232, C replaced by G.
Protein change: p.Pro78Ala; replaces proline 78 with alanine.
Molecular consequence: missense variant.
Genome position (GRCh38, 1-based): chr1:23,019,828, C>G. VCF-style: chr1-23019828-C-G. GRCh37 (hg19) VCF-style: chr1-23346321-C-G.
Other names: c.232C>G, p.Pro78Ala (NM_001363654.2, NM_001410762.1, NM_001410763.1 and 1 more transcripts); short protein forms P78A.
Identifiers: ClinVar variation 3532901 (VCV003532901.1).

ClinVar aggregate classification (germline): Uncertain significance (1 of 4 stars; one submission).

Conditions:
Inborn genetic diseases. Identifiers: MedGen C0950123, MeSH D030342.

gnomAD v4.1: 2 of 1,435,508 alleles (0.00014%); highest among the groups gnomAD compares: Non-Finnish European, 0.00018%; no homozygotes.

Submission:

Ambry Genetics
Classification: Uncertain significance for Inborn genetic diseases. Last evaluated: 2024-10-15. Review status: criteria provided, single submitter. Criteria: Ambry Variant Classification Scheme 2023. Collection method: clinical testing. Allele origin: germline.
Comment: The p.P78A variant (also known as c.232C>G), located in coding exon 1 of the KDM1A gene, results from a C to G substitution at nucleotide position 232. The proline at codon 78 is replaced by alanine, an amino acid with highly similar properties. This amino acid position is conserved. In addition, this alteration is predicted to be tolerated by in silico analysis. Based on the available evidence, the clinical significance of this variant remains unclear.